The following is an entry in ClinVar:

NM_020779.4(WDR35):c.584_585del (p.Leu195fs)

Gene: WDR35 (WD repeat domain 35; minus strand). Cytogenetic location: 2p24.1.
Variant type: Deletion.
Coding change: c.584_585del on transcript NM_020779.4 (MANE Select); coding-DNA positions 584 to 585, 2 bases deleted (TG; older notation c.584_585delTG).
Protein change: p.Leu195fs; shifts the reading frame from leucine 195.
Molecular consequence: frameshift variant.
Genome position (GRCh38, 1-based): chr2:19,974,619-19,974,620, CA deleted on the plus strand (TG on the coding strand, the reverse complement: WDR35 is on the minus strand). VCF-style (leftmost placement, unchanged base first): chr2-19974618-TCA-T. GRCh37 (hg19) VCF-style: chr2-20174379-TCA-T.
Other names: c.584_585del, p.Leu195fs (NM_001006657.2); short protein forms L195fs.
Identifiers: ClinVar variation 373022 (VCV000373022.3), dbSNP rs756004566, ClinGen allele CA1543480.

ClinVar aggregate classification (germline): Pathogenic/Likely pathogenic. Review status: criteria provided, multiple submitters, no conflicts (2 of 4 stars). 2 submissions from 2 submitters: Pathogenic (1); Likely pathogenic (1). Last evaluated 2024-08-14.

Conditions:
Short-rib thoracic dysplasia 7 with or without polydactyly (SRTD7). Also called: Short rib polydactyly syndrome 5; SHORT-RIB THORACIC DYSPLASIA 7 WITH POLYDACTYLY. Identifiers: Orphanet 498497, Orphanet 93271, MedGen C3279792, MONDO:0013569, OMIM 614091.
Cranioectodermal dysplasia 2 (CED2). Identifiers: Orphanet 1515, MedGen C3150874, MONDO:0013323, OMIM 613610.

Allele frequency attached by ClinVar (database versions not stated): gnomAD exomes below 0.00001 and 0.00002; ExAC 0.00002.

Submissions (2):

Labcorp Genetics (formerly Invitae), Labcorp
Classification: Pathogenic for Cranioectodermal dysplasia 2; Short-rib thoracic dysplasia 7 with or without polydactyly. Last evaluated: 2024-08-14. Review status: criteria provided, single submitter. Criteria: Invitae Variant Classification Sherloc (09022015). Collection method: clinical testing. Allele origin: germline.
Comment: This sequence change creates a premature translational stop signal (p.Leu195Glnfs*28) in the WDR35 gene. It is expected to result in an absent or disrupted protein product. Loss-of-function variants in WDR35 are known to be pathogenic (PMID: 22486404, 29068549). This variant is present in population databases (rs756004566, gnomAD 0.003%). This variant has not been reported in the literature in individuals affected with WDR35-related conditions. ClinVar contains an entry for this variant (Variation ID: 373022). For these reasons, this variant has been classified as Pathogenic.

GeneDx
Classification: Likely pathogenic. Last evaluated: 2016-10-10. Review status: criteria provided, single submitter. Criteria: GeneDx Variant Classification (06012015). Collection method: clinical testing. Allele origin: germline. Affected: yes.
Comment: The c.584_585delTG variant in the WDR35 gene has not been reported previously as a pathogenic variant nor as a benign variant, to our knowledge. The c.584_585delTG variant causes a frameshift starting with codon Leucine 195, changes this amino acid to a Glutamine residue, and creates a premature Stop codon at position 28 of the new reading frame, denoted p.Leu195GlnfsX28. This variant is predicted to cause loss of normal protein function either through protein truncation or nonsense-mediated mRNA decay. The c.584_585delTG variant was not observed in approximately 6500 individuals of European and African American ancestry in the NHLBI Exome Sequencing Project, indicating it is not a common benign variant in these populations. We interpret c.584_585delTG as a likely pathogenic variant.

Literature cited by the submitters: PubMed 22486404 (cited by Labcorp Genetics (formerly Invitae), Labcorp); PubMed 29068549 (cited by Labcorp Genetics (formerly Invitae), Labcorp).